The following is an entry in ClinVar:

NM_017882.3(CLN6):c.*75G>C

Gene: CLN6 (CLN6 transmembrane ER protein; minus strand). Cytogenetic location: 15q23.
Variant type: single nucleotide variant.
Coding change: c.*75G>C on transcript NM_017882.3 (MANE Select); 75 bases downstream of the stop codon, G replaced by C.
Molecular consequence: 3 prime UTR variant.
Genome position (GRCh38, 1-based): chr15:68,208,065, C>G on the plus strand (G>C on the coding strand, the complement: CLN6 is on the minus strand). VCF-style: chr15-68208065-C-G. GRCh37 (hg19) VCF-style: chr15-68500403-C-G.
Identifiers: ClinVar variation 887014 (VCV000887014.5), dbSNP rs57058289, ClinGen allele CA272382587.

ClinVar aggregate classification (germline): Likely benign. Review status: criteria provided, multiple submitters, no conflicts (2 of 4 stars). 2 submissions from 2 submitters: Likely benign (2). Last evaluated 2018-01-13.

Conditions:
Neuronal ceroid lipofuscinosis. Also called: Neuronal Ceroid Lipofuscinoses. Identifiers: Orphanet 216, Orphanet 79263, MedGen C0027877, MONDO:0016295. Disease mechanism: loss of function.

Allele frequency attached by ClinVar (database versions not stated): gnomAD 0.00367 and 0.00380; TOPMed 0.00430; 1000 Genomes Project 30x 0.00609; 1000 Genomes Project 0.00699.
gnomAD v4.1: 3,388 of 1,500,076 alleles (0.23%); highest among the groups gnomAD compares: Middle Eastern, 0.93%; 14 homozygotes.

Submissions (2):

Illumina Laboratory Services, Illumina
Classification: Likely benign for Neuronal ceroid lipofuscinosis. Last evaluated: 2018-01-13. Review status: criteria provided, single submitter. Criteria: ICSL Variant Classification Criteria 13 December 2019. Collection method: clinical testing. Allele origin: germline.
Comment: This variant was observed in the ICSL laboratory as part of a predisposition screen in an ostensibly healthy population. It had not been previously curated by ICSL or reported in the Human Gene Mutation Database (HGMD: prior to June 1st, 2018), and was therefore a candidate for classification through an automated scoring system. Utilizing variant allele frequency, disease prevalence and penetrance estimates, and inheritance mode, an automated score was calculated to assess if this variant is too frequent to cause the disease. Based on the score and internal cut-off values, a variant classified as likely benign is not then subjected to further curation. The score for this variant resulted in a classification of likely benign for this disease.

Breakthrough Genomics
Classification: Likely benign. Review status: criteria provided, single submitter. Criteria: ACMG Guidelines, 2015. Collection method: not provided. Allele origin: germline. Inheritance: Autosomal recessive inheritance. Affected: yes.